The following is an entry in ClinVar:

NM_001369.3(DNAH5):c.3965C>T (p.Ser1322Leu)

Genes: DNAH5 (dynein axonemal heavy chain 5; minus strand), DNAH5-AS1 (DNAH5 antisense RNA 1; plus strand). Cytogenetic location: 5p15.2.
Variant type: single nucleotide variant.
Coding change: c.3965C>T on transcript NM_001369.3 (MANE Select); coding-DNA position 3965, C replaced by T.
Protein change: p.Ser1322Leu; replaces serine 1322 with leucine.
Molecular consequence: missense variant.
Genome position (GRCh38, 1-based): chr5:13,867,862, G>A on the plus strand (C>T on the coding strand, the complement: DNAH5 is on the minus strand). VCF-style: chr5-13867862-G-A. GRCh37 (hg19) VCF-style: chr5-13867971-G-A.
Other names: short protein forms S1322L.
Identifiers: ClinVar variation 1736551 (VCV001736551.7), dbSNP rs2546988231, ClinGen allele CA359228808.

ClinVar aggregate classification (germline): Uncertain significance. Review status: criteria provided, multiple submitters, no conflicts (2 of 4 stars). 2 submissions from 2 submitters: Uncertain significance (2). Last evaluated 2022-10-31.

Conditions:
Primary ciliary dyskinesia. Also called: Ciliary dyskinesia. Identifiers: Orphanet 244, MedGen C0008780, MONDO:0016575, HP:0012265.

Submissions (2):

Ambry Genetics
Classification: Uncertain significance for Primary ciliary dyskinesia. Last evaluated: 2022-10-31. Review status: criteria provided, single submitter. Criteria: Ambry Variant Classification Scheme 2023. Collection method: clinical testing. Allele origin: germline.
Comment: The p.S1322L variant (also known as c.3965C>T), located in coding exon 25 of the DNAH5 gene, results from a C to T substitution at nucleotide position 3965. The serine at codon 1322 is replaced by leucine, an amino acid with dissimilar properties. This amino acid position is not well conserved in available vertebrate species, and leucine is the reference amino acid in other vertebrate species. In addition, this alteration is predicted to be tolerated by in silico analysis. Since supporting evidence is limited at this time, the clinical significance of this alteration remains unclear.

Labcorp Genetics (formerly Invitae), Labcorp
Classification: Uncertain significance for Primary ciliary dyskinesia. Last evaluated: 2022-07-06. Review status: criteria provided, single submitter. Criteria: Invitae Variant Classification Sherloc (09022015). Collection method: clinical testing. Allele origin: germline.
Comment: This sequence change replaces serine, which is neutral and polar, with leucine, which is neutral and non-polar, at codon 1322 of the DNAH5 protein (p.Ser1322Leu). This variant is not present in population databases (gnomAD no frequency). This variant has not been reported in the literature in individuals affected with DNAH5-related conditions. Advanced modeling of protein sequence and biophysical properties (such as structural, functional, and spatial information, amino acid conservation, physicochemical variation, residue mobility, and thermodynamic stability) performed at Invitae indicates that this missense variant is not expected to disrupt DNAH5 protein function. In summary, the available evidence is currently insufficient to determine the role of this variant in disease. Therefore, it has been classified as a Variant of Uncertain Significance.